The following is an entry in ClinVar:

NM_003924.4(PHOX2B):c.847A>C (p.Ile283Leu)

Gene: PHOX2B (paired like homeobox 2B; minus strand). Cytogenetic location: 4p13.
Variant type: single nucleotide variant.
Coding change: c.847A>C on transcript NM_003924.4 (MANE Select); coding-DNA position 847, A replaced by C.
Protein change: p.Ile283Leu; replaces isoleucine 283 with leucine.
Molecular consequence: missense variant.
Genome position (GRCh38, 1-based): chr4:41,745,905, T>G on the plus strand (A>C on the coding strand, the complement: PHOX2B is on the minus strand). VCF-style: chr4-41745905-T-G. GRCh37 (hg19) VCF-style: chr4-41747922-T-G.
Other names: short protein forms I283L.
Identifiers: ClinVar variation 2132443 (VCV002132443.4), dbSNP rs2552096775, ClinGen allele CA356737010.

ClinVar aggregate classification (germline): Uncertain significance (1 of 4 stars; one submission).

Conditions:
Haddad syndrome (OHD). Also called: Ondine-Hirschsprung disease. Identifiers: Orphanet 99803, MedGen C1859049, MONDO:0020493.

Submission:

Labcorp Genetics (formerly Invitae), Labcorp
Classification: Uncertain significance for Haddad syndrome. Last evaluated: 2022-05-06. Review status: criteria provided, single submitter. Criteria: Invitae Variant Classification Sherloc (09022015). Collection method: clinical testing. Allele origin: germline.
Comment: This variant is not present in population databases (gnomAD no frequency). This sequence change replaces isoleucine, which is neutral and non-polar, with leucine, which is neutral and non-polar, at codon 283 of the PHOX2B protein (p.Ile283Leu). This variant has not been reported in the literature in individuals affected with PHOX2B-related conditions. Algorithms developed to predict the effect of missense changes on protein structure and function are either unavailable or do not agree on the potential impact of this missense change (SIFT: "Deleterious"; PolyPhen-2: "Not Available"; Align-GVGD: "Class C0"). In summary, the available evidence is currently insufficient to determine the role of this variant in disease. Therefore, it has been classified as a Variant of Uncertain Significance.